The following is an entry in ClinVar:

NM_006922.4(SCN3A):c.2449T>C (p.Tyr817His)

Gene: SCN3A (sodium voltage-gated channel alpha subunit 3; minus strand). Cytogenetic location: 2q24.3.
Variant type: single nucleotide variant.
Coding change: c.2449T>C on transcript NM_006922.4 (MANE Select); coding-DNA position 2449, T replaced by C.
Protein change: p.Tyr817His; replaces tyrosine 817 with histidine.
Molecular consequence: missense variant.
Genome position (GRCh38, 1-based): chr2:165,131,360, A>G on the plus strand (T>C on the coding strand, the complement: SCN3A is on the minus strand). VCF-style: chr2-165131360-A-G. GRCh37 (hg19) VCF-style: chr2-165987870-A-G.
Other names: c.2302T>C, p.Tyr768His (NM_001081676.2, NM_001081677.2); short protein forms Y768H, Y817H.
Identifiers: ClinVar variation 856865 (VCV000856865.42), dbSNP rs377309807, ClinGen allele CA1938951.
Genomic context (GRCh38, chr2:165,131,360, plus strand): 5'-TTAAACTGAGGCTGACAATAATTCCATCAAAGATATTCCAGCCTTCTTGGAAATAGTAAT[A>G]AGGATCCATGGCAATGATCTTGAGAACCATTTCTGCTGTGAAAATCCCAGTAAAGACCTA-3'
Protein context (NP_008853.3, residues 807-827): MVLKIIAMDP[Tyr817His]YYFQEGWNIF

ClinVar aggregate classification (germline): Conflicting classifications of pathogenicity. Review status: criteria provided, conflicting classifications (1 of 4 stars). 4 submissions from 4 submitters: Uncertain significance (3); Likely benign (1). Last evaluated 2025-12-17.

Conditions:
Inborn genetic diseases. Identifiers: MedGen C0950123, MeSH D030342.

Allele frequency attached by ClinVar (database versions not stated): ExAC 0.00002; gnomAD exomes 0.00005 and 0.00010; ESP Exome Variant Server 0.00008; gnomAD 0.00009; TOPMed 0.00010.

Submissions (4):

Labcorp Genetics (formerly Invitae), Labcorp
Classification: Uncertain significance. Last evaluated: 2025-12-17. Review status: criteria provided, single submitter. Criteria: Invitae Variant Classification Sherloc (09022015). Collection method: clinical testing. Allele origin: germline.
Comment: This sequence change replaces tyrosine, which is neutral and polar, with histidine, which is basic and polar, at codon 817 of the SCN3A protein (p.Tyr817His). This variant is present in population databases (rs377309807, gnomAD 0.01%). This variant has not been reported in the literature in individuals affected with SCN3A-related conditions. ClinVar contains an entry for this variant (Variation ID: 856865). Invitae Evidence Modeling of protein sequence and biophysical properties (such as structural, functional, and spatial information, amino acid conservation, physicochemical variation, residue mobility, and thermodynamic stability) has been performed for this missense variant. However, the output from this modeling did not meet the statistical confidence thresholds required to predict the impact of this variant on SCN3A protein function. In summary, the available evidence is currently insufficient to determine the role of this variant in disease. Therefore, it has been classified as a Variant of Uncertain Significance.

ARUP Laboratories, Molecular Genetics and Genomics, ARUP Laboratories
Classification: Uncertain significance. Last evaluated: 2024-08-09. Review status: criteria provided, single submitter. Criteria: ARUP Molecular Germline Variant Investigation Process 2024. Collection method: clinical testing. Allele origin: germline.
Comment: The SCN3A c.2449T>C; p.Tyr817His variant (rs377309807), to our knowledge, is not reported in the medical literature but is reported in ClinVar (Variation ID: 856865). This variant is found in the non-Finnish European population with an allele frequency of 0.01% (13/113272 alleles) in the Genome Aggregation Database (v2.1.1). Computational analyses predict that this variant is deleterious (REVEL: 0.914). However, given the lack of clinical and functional data, the significance of this variant is uncertain at this time.

Ambry Genetics
Classification: Likely benign for Inborn genetic diseases. Last evaluated: 2023-12-19. Review status: criteria provided, single submitter. Criteria: Ambry Variant Classification Scheme 2023. Collection method: clinical testing. Allele origin: germline.

CeGaT Center for Human Genetics Tuebingen
Classification: Uncertain significance. Last evaluated: 2022-01-01. Review status: criteria provided, single submitter. Criteria: CeGaT Center For Human Genetics Tuebingen Variant Classification Criteria Version 2. Collection method: clinical testing. Allele origin: germline. Affected: yes. Observed: 1 variant allele.